The following is an entry in ClinVar:

GRCh38/hg38 10q21.2-22.1(chr10:62625610-68820681)x1

Genes: ADO (2-aminoethanethiol dioxygenase; plus strand), ATOH7 (atonal bHLH transcription factor 7; minus strand), CCAR1 (cell division cycle and apoptosis regulator 1; plus strand), CTNNA3 (catenin alpha 3; minus strand), CTNNA3-AS1 (CTNNA3 antisense RNA 1; plus strand) and 190 more. Cytogenetic location: 10q21.2-22.1.
Variant type: copy number loss.
Change: copy number 1 (one copy instead of two) of chr10:62,625,610-68,820,681 (6.20 Mb, GRCh38 coordinates, 1-based), cytogenetic band 10q21.2-22.1.
Identifiers: ClinVar variation 4796277 (VCV004796277.1).

ClinVar aggregate classification (germline): Uncertain significance (1 of 4 stars; one submission).

Submission:

Medical Genetic Center, Changzhi Maternal and Child Health Care Hospital
Classification: Uncertain significance. Last evaluated: 2025-12-10. Review status: criteria provided, single submitter. Criteria: ACMG/ClinGen CNV Guidelines, 2019. Collection method: clinical testing. Allele origin: unknown.
Comment: DNAJC12,ATOH7 deletion carrier; CTNNA,MYPN,DNA2